The following is an entry in ClinVar:

ClinVar aggregate classification (germline): Uncertain significance. Review status: criteria provided, multiple submitters, no conflicts (2 of 4 stars). 4 submissions from 4 submitters: Uncertain significance (4). Last evaluated 2025-12-04.

Conditions:
Proteinuria, chronic benign. Identifiers: MedGen C5394384, MONDO:0030042, OMIM 618884.
Imerslund-Grasbeck syndrome type 1 (IGS1). Also called: MEGALOBLASTIC ANEMIA, 1; Megaloblastic anemia 1, Finnish type; Imerslund-Gräsbeck syndrome 1. Identifiers: MedGen C4016819, MONDO:0100156, OMIM 261100.
Inborn genetic diseases. Identifiers: MedGen C0950123, MeSH D030342.
Imerslund-Grasbeck syndrome. Also called: Imerslund-Gräsbeck syndrome; ENTEROCYTE COBALAMIN MALABSORPTION; ENTEROCYTE INTRINSIC FACTOR RECEPTOR, DEFECT OF; PERNICIOUS ANEMIA, JUVENILE, DUE TO SELECTIVE INTESTINAL MALABSORPTION OF VITAMIN B12, WITH PROTEINURIA; Megaloblastic anemia due to inborn errors of metabolism. Identifiers: Orphanet 35858, MedGen C4551825, MONDO:0009853.

Allele frequency attached by ClinVar (database versions not stated): gnomAD 0.00001 and 0.00003; gnomAD exomes 0.00001 and 0.00004; ExAC 0.00002; TOPMed 0.00002; 1000 Genomes Project 30x 0.00016; 1000 Genomes Project 0.00020.
gnomAD v4.1: 71 of 1,614,014 alleles (0.0044%); highest among the groups gnomAD compares: Middle Eastern, 0.066%; no homozygotes.

Submissions (4):

Labcorp Genetics (formerly Invitae), Labcorp
Classification: Uncertain significance for Imerslund-Grasbeck syndrome. Last evaluated: 2025-12-04. Review status: criteria provided, single submitter. Criteria: Invitae Variant Classification Sherloc (09022015). Collection method: clinical testing. Allele origin: germline.
Comment: This sequence change replaces proline, which is neutral and non-polar, with leucine, which is neutral and non-polar, at codon 2243 of the CUBN protein (p.Pro2243Leu). This variant is present in population databases (rs544059289, gnomAD 0.007%). This variant has not been reported in the literature in individuals affected with CUBN-related conditions. ClinVar contains an entry for this variant (Variation ID: 578989). Invitae Evidence Modeling of protein sequence and biophysical properties (such as structural, functional, and spatial information, amino acid conservation, physicochemical variation, residue mobility, and thermodynamic stability) indicates that this missense variant is not expected to disrupt CUBN protein function with a negative predictive value of 80%. In summary, the available evidence is currently insufficient to determine the role of this variant in disease. Therefore, it has been classified as a Variant of Uncertain Significance.

Fulgent Genetics
Classification: Uncertain significance for Imerslund-Grasbeck syndrome type 1; Proteinuria, chronic benign. Last evaluated: 2024-03-22. Review status: criteria provided, single submitter. Criteria: ACMG Guidelines, 2015. Collection method: clinical testing. Allele origin: germline.

Ambry Genetics
Classification: Uncertain significance for Inborn genetic diseases. Last evaluated: 2024-01-23. Review status: criteria provided, single submitter. Criteria: Ambry Variant Classification Scheme 2023. Collection method: clinical testing. Allele origin: germline.

Blueprint Genetics
Classification: Uncertain significance. Last evaluated: 2022-11-08. Review status: criteria provided, single submitter. Criteria: ACMG Guidelines, 2015. Collection method: clinical testing. Allele origin: germline.

NM_001081.4(CUBN):c.6728C>T (p.Pro2243Leu)

Gene: CUBN (cubilin; minus strand). Cytogenetic location: 10p13.
Variant type: single nucleotide variant.
Coding change: c.6728C>T on transcript NM_001081.4 (MANE Select); coding-DNA position 6728, C replaced by T.
Protein change: p.Pro2243Leu; replaces proline 2243 with leucine.
Molecular consequence: missense variant.
Genome position (GRCh38, 1-based): chr10:16,920,056, G>A on the plus strand (C>T on the coding strand, the complement: CUBN is on the minus strand). VCF-style: chr10-16920056-G-A. GRCh37 (hg19) VCF-style: chr10-16962055-G-A.
Other names: short protein forms P2243L.
Identifiers: ClinVar variation 578989 (VCV000578989.13), dbSNP rs544059289, ClinGen allele CA5423596.